The following is an entry in ClinVar:

ClinVar aggregate classification (germline): Uncertain significance (1 of 4 stars; one submission).

Conditions:
Inborn genetic diseases. Identifiers: MedGen C0950123, MeSH D030342.

Submission:

Ambry Genetics
Classification: Uncertain significance for Inborn genetic diseases. Last evaluated: 2020-06-04. Review status: criteria provided, single submitter. Criteria: Ambry Variant Classification Scheme 2023. Collection method: clinical testing. Allele origin: germline.
Comment: The alteration results in an amino acid change:_x000D_ _x000D_ The c.5777T>C (p.L1926P) alteration is located in coding exon 25 of the TANC2 gene. This alteration results from a T to C substitution at nucleotide position 5777, causing the leucine (L) at amino acid position 1926 to be replaced by a proline (P). The alteration is not observed in population databases: _x000D_ _x000D_ Based on data from the Genome Aggregation Database (gnomAD), the TANC2 c.5777T>C alteration was not observed, with coverage at this position. The altered amino acid is conserved throughout evolution:_x000D_ _x000D_ The p.L1926 amino acid is conserved in available vertebrate species. The alteration is predicted inconclusive by in silico modeling:_x000D_ _x000D_ The in silico prediction for the p.L1926P alteration is inconclusive. Based on insufficient or conflicting evidence, the clinical significance of this alteration remains unclear.

NM_001394998.1(TANC2):c.6029T>C (p.Leu2010Pro)

Gene: TANC2 (tetratricopeptide repeat, ankyrin repeat and coiled-coil containing 2; plus strand). Cytogenetic location: 17q23.3.
Variant type: single nucleotide variant.
Coding change: c.6029T>C on transcript NM_001394998.1 (MANE Select); coding-DNA position 6029, T replaced by C.
Protein change: p.Leu2010Pro; replaces leucine 2010 with proline.
Molecular consequence: missense variant.
Genome position (GRCh38, 1-based): chr17:63,421,759, T>C. VCF-style: chr17-63421759-T-C. GRCh37 (hg19) VCF-style: chr17-61499120-T-C.
Other names: c.5777T>C, p.Leu1926Pro (NM_025185.4); short protein forms L1926P, L2010P.
Identifiers: ClinVar variation 985077 (VCV000985077.5), dbSNP rs2049030429, ClinGen allele CA400548234.